The following is an entry in ClinVar:

NM_138694.4(PKHD1):c.11103A>G (p.Val3701=)

Gene: PKHD1 (PKHD1 ciliary IPT domain containing fibrocystin/polyductin; minus strand). Cytogenetic location: 6p12.3.
Variant type: single nucleotide variant.
Coding change: c.11103A>G on transcript NM_138694.4 (MANE Select); coding-DNA position 11103, A replaced by G.
Protein change: p.Val3701=; no amino-acid change (valine 3701 retained).
Molecular consequence: synonymous variant.
Genome position (GRCh38, 1-based): chr6:51,659,023, T>C on the plus strand (A>G on the coding strand, the complement: PKHD1 is on the minus strand). VCF-style: chr6-51659023-T-C. GRCh37 (hg19) VCF-style: chr6-51523821-T-C.
Identifiers: ClinVar variation 4991221 (VCV004991221.1).
Genomic context (GRCh38, chr6:51,659,023, plus strand): 5'-GACTCCCTTTGACTGAGTAACTAGTAAGGCCCCGATAGTCATATTCAGAACATTCTCTAG[T>C]ACCCCAGTCTGTTGAGCAGTGATGACTCGATGAGCCAAATTCTGTAATTTGTTACTTGAT-3'
Protein context (NP_619639.3, residues 3691-3711): HRVITAQQTG[Val3701=]LENVLNMTIG

ClinVar aggregate classification (germline): Likely benign (1 of 4 stars; one submission).

Conditions:
PKHD1-related disorder. Also called: PKHD1-related condition.

Submission:

PreventionGenetics, part of Exact Sciences
Classification: Likely benign for PKHD1-related condition. Last evaluated: 2026-02-02. Review status: criteria provided, single submitter. Criteria: ACMG Guidelines, 2015. Collection method: clinical testing. Allele origin: germline.
Comment: This variant is classified as likely benign based on ACMG/AMP sequence variant interpretation guidelines (Richards et al. 2015 PMID: 25741868, with internal and published modifications).